The following is an entry in ClinVar:

ClinVar aggregate classification (germline): Uncertain significance (1 of 4 stars; one submission).

Submission:

Ambry Genetics
Classification: Uncertain significance. Last evaluated: 2026-04-26. Review status: criteria provided, single submitter. Criteria: Ambry Variant Classification Scheme 2023. Collection method: clinical testing. Allele origin: germline.
Comment: The p.E373D variant (also known as c.1119G>C), located in coding exon 10 of the GEN1 gene, results from a G to C substitution at nucleotide position 1119. The glutamic acid at codon 373 is replaced by aspartic acid, an amino acid with highly similar properties. This amino acid position is conserved. In addition, this alteration is predicted to be tolerated by in silico analysis. Based on the available evidence, the clinical significance of this variant remains unclear.

NM_001130009.3(GEN1):c.1119G>C (p.Glu373Asp)

Gene: GEN1 (GEN1 structure-specific endonuclease; plus strand). Cytogenetic location: 2p24.2.
Variant type: single nucleotide variant.
Coding change: c.1119G>C on transcript NM_001130009.3 (MANE Select); coding-DNA position 1119, G replaced by C.
Protein change: p.Glu373Asp; replaces glutamic acid 373 with aspartic acid.
Molecular consequence: missense variant.
Genome position (GRCh38, 1-based): chr2:17,774,318, G>C. VCF-style: chr2-17774318-G-C. GRCh37 (hg19) VCF-style: chr2-17955585-G-C.
Other names: c.1119G>C, p.Glu373Asp (NM_182625.5); short protein forms E373D.
Identifiers: ClinVar variation 4857965 (VCV004857965.1).